The following is an entry in ClinVar:

NM_000439.5(PCSK1):c.43C>T (p.Leu15Phe)

Genes: CAST (calpastatin; plus strand), PCSK1 (proprotein convertase subtilisin/kexin type 1; minus strand), LOC101929710 (uncharacterized LOC101929710; plus strand). Cytogenetic location: 5q15.
Variant type: single nucleotide variant.
Coding change: c.43C>T on transcript NM_000439.5 (MANE Select); coding-DNA position 43, C replaced by T.
Protein change: p.Leu15Phe; replaces leucine 15 with phenylalanine.
Molecular consequence: missense variant. On other transcripts: intron variant (11).
Genome position (GRCh38, 1-based): chr5:96,433,000, G>A on the plus strand (C>T on the coding strand, the complement: PCSK1 is on the minus strand). VCF-style: chr5-96433000-G-A. GRCh37 (hg19) VCF-style: chr5-95768704-G-A.
Other names: c.-175+53348G>A (NM_001423254.1, NM_001423259.1, NM_001423255.1 and 6 more transcripts); c.-103+53348G>A (NM_001423253.1); c.-40+53348G>A (NM_001423258.1); short protein forms L15F.
Identifiers: ClinVar variation 4983991 (VCV004983991.1).
Genomic context (GRCh38, chr5:96,433,000, plus strand): 5'-ATTCATTGACAAATTGCCTTTTCGCTTTTGCACTGTTCAGTGCACACCAAGCGCAAAAGA[G>A]GACGAAAGCAGTGCACTGCAGACTCCAGGCTCTTCGCTCCATAGCTCACACACTCGCTTG-3'
Protein context (NP_000430.3, residues 5-25): AWSLQCTAFV[Leu15Phe]FCAWCALNSA

ClinVar aggregate classification (germline): Uncertain significance (1 of 4 stars; one submission).

Conditions:
PCSK1-related disorder. Also called: PCSK1-related condition.

gnomAD v4.1: 9 of 1,614,236 alleles (0.00056%); highest among the groups gnomAD compares: Non-Finnish European, 0.00076%; no homozygotes.

Submission:

PreventionGenetics, part of Exact Sciences
Classification: Uncertain significance for PCSK1-related condition. Last evaluated: 2026-03-03. Review status: criteria provided, single submitter. Criteria: ACMG Guidelines, 2015. Collection method: clinical testing. Allele origin: germline.
Comment: The PCSK1 c.43C>T variant is predicted to result in the amino acid substitution p.Leu15Phe. This variant was observed in a cohort of individuals with obesity, and in vitro functional studies showed inconclusive evidence of loss of function (Supplemental Data Set, Shah et al. 2023. PubMed ID: 36864747). This variant is reported in 0.00088% of alleles in individuals of European (Non-Finnish) descent in gnomAD. At this time, the clinical significance of this variant is uncertain due to the absence of conclusive functional and genetic evidence.